The following is an entry in ClinVar:

ClinVar aggregate classification (germline): Uncertain significance. Review status: criteria provided, multiple submitters, no conflicts (2 of 4 stars). 5 submissions from 5 submitters: Uncertain significance (5). Last evaluated 2025-12-21.

Conditions:
Cardiovascular phenotype. Identifiers: MedGen CN230736.
RASopathy. Also called: rasopathies; Noonan spectrum disorder. Identifiers: Orphanet 536391, MedGen C5555857, MONDO:0021060.
Noonan syndrome 1 (NS1). Also called: FEMALE PSEUDO-TURNER SYNDROME; PTPN11-Related Noonan Syndrome; TURNER PHENOTYPE WITH NORMAL KARYOTYPE. Identifiers: Orphanet 648, MedGen C4551602, MONDO:0008104, OMIM 163950. Disease mechanism: gain of function.

Allele frequency attached by ClinVar (database versions not stated): gnomAD exomes below 0.00001; ExAC 0.00001; gnomAD 0.00002; TOPMed 0.00003; ESP Exome Variant Server 0.00015.
gnomAD v4.1: 8 of 1,613,988 alleles (0.0005%); highest among the groups gnomAD compares: African/African-American, 0.0093%; no homozygotes.

Submissions (5):

Labcorp Genetics (formerly Invitae), Labcorp
Classification: Uncertain significance for RASopathy. Last evaluated: 2025-12-21. Review status: criteria provided, single submitter. Criteria: Invitae Variant Classification Sherloc (09022015). Collection method: clinical testing. Allele origin: germline.
Comment: This sequence change replaces glycine, which is neutral and non-polar, with alanine, which is neutral and non-polar, at codon 154 of the PTPN11 protein (p.Gly154Ala). This variant is present in population databases (rs376027245, gnomAD 0.008%). This variant has not been reported in the literature in individuals affected with PTPN11-related conditions. ClinVar contains an entry for this variant (Variation ID: 451613). Invitae Evidence Modeling of protein sequence and biophysical properties (such as structural, functional, and spatial information, amino acid conservation, physicochemical variation, residue mobility, and thermodynamic stability) has been performed for this missense variant. However, the output from this modeling did not meet the statistical confidence thresholds required to predict the impact of this variant on PTPN11 protein function. In summary, the available evidence is currently insufficient to determine the role of this variant in disease. Therefore, it has been classified as a Variant of Uncertain Significance.

Ambry Genetics
Classification: Uncertain significance for Cardiovascular phenotype. Last evaluated: 2025-07-14. Review status: criteria provided, single submitter. Criteria: Ambry Variant Classification Scheme 2023. Collection method: clinical testing. Allele origin: germline.
Comment: The p.G154A variant (also known as c.461G>C), located in coding exon 4 of the PTPN11 gene, results from a G to C substitution at nucleotide position 461. The glycine at codon 154 is replaced by alanine, an amino acid with similar properties. This amino acid position is conserved. In addition, the in silico prediction for this alteration is inconclusive. Since supporting evidence is limited at this time, the clinical significance of this alteration remains unclear.

Revvity Omics, Revvity
Classification: Uncertain significance. Last evaluated: 2025-05-26. Review status: criteria provided, single submitter. Criteria: ACMG Guidelines, 2015. Collection method: clinical testing. Allele origin: germline.

St. Jude Molecular Pathology, St. Jude Children's Research Hospital
Classification: Uncertain significance for Noonan syndrome 1. Last evaluated: 2023-11-28. Review status: criteria provided, single submitter. Criteria: St. Jude Assertion Criteria 2020. Collection method: clinical testing. Allele origin: germline.
Comment: The PTPN11 c.461G>C (p.Gly154Ala) missense change has a maximum subpopulation frequency of 0.008% in gnomAD v2.1.1. This variant occurs in a gene where missense variants are a common mechanism of disease. The in silico tool REVEL is inconclusive about a pathogenic or benign effect of this variant on protein function, and functional studies have not been performed. This variant has not been reported in individuals with RASopathy conditions. In summary, the evidence currently available is insufficient to determine the clinical significance of this variant. It has therefore been classified as of uncertain significance.

GeneDx
Classification: Uncertain significance. Last evaluated: 2023-03-31. Review status: criteria provided, single submitter. Criteria: GeneDx Variant Classification Process June 2021. Collection method: clinical testing. Allele origin: germline. Affected: yes.
Comment: Has not been previously published as pathogenic or benign to our knowledge; Missense variants in this gene are often considered pathogenic (HGMD); In silico analysis supports that this missense variant does not alter protein structure/function

NM_002834.5(PTPN11):c.461G>C (p.Gly154Ala)

Gene: PTPN11 (protein tyrosine phosphatase non-receptor type 11; plus strand). Cytogenetic location: 12q24.13.
Variant type: single nucleotide variant.
Coding change: c.461G>C on transcript NM_002834.5 (MANE Select); coding-DNA position 461, G replaced by C.
Protein change: p.Gly154Ala; replaces glycine 154 with alanine.
Molecular consequence: missense variant.
Genome position (GRCh38, 1-based): chr12:112,453,323, G>C. VCF-style: chr12-112453323-G-C. GRCh37 (hg19) VCF-style: chr12-112891127-G-C.
Other names: c.461G>C (NM_002834.4); c.461G>C, p.Gly154Ala (NM_001330437.2, NM_080601.3); c.458G>C, p.Gly153Ala (NM_001374625.1); short protein forms G154A, G153A.
Identifiers: ClinVar variation 451613 (VCV000451613.17), dbSNP rs376027245, ClinGen allele CA6798552.